The following is an entry in ClinVar:

ClinVar aggregate classification (germline): Benign/Likely benign. Review status: criteria provided, multiple submitters, no conflicts (2 of 4 stars). 8 submissions from 8 submitters: Benign (2); Likely benign (2). 4 of the submissions do not count toward it. Last evaluated 2026-07-01.

Allele frequency attached by ClinVar (database versions not stated): 1000 Genomes Project 30x 0.00047; 1000 Genomes Project 0.00060; gnomAD 0.00140 and 0.00145; gnomAD exomes 0.00144 and 0.00186; TOPMed 0.00145; ESP Exome Variant Server 0.00161; ExAC 0.00172.
gnomAD v4.1: 2,932 of 1,614,166 alleles (0.18%); highest among the groups gnomAD compares: Non-Finnish European, 0.22%; 10 homozygotes.

Submissions (8):

CeGaT Center for Human Genetics Tuebingen
Classification: Likely benign. Last evaluated: 2026-07-01. Review status: criteria provided, single submitter. Criteria: CeGaT Center For Human Genetics Tuebingen Variant Classification Criteria Version 2. Collection method: clinical testing. Allele origin: germline. Affected: yes. Observed: 26 variant alleles.
Comment: MTOR: BP4, BP7, BS1

Labcorp Genetics (formerly Invitae), Labcorp
Classification: Benign. Last evaluated: 2026-01-28. Review status: criteria provided, single submitter. Criteria: Invitae Variant Classification Sherloc (09022015). Collection method: clinical testing. Allele origin: germline.

Blueprint Genetics
Classification: Likely benign. Last evaluated: 2024-11-25. Review status: criteria provided, single submitter. Criteria: ACMG Guidelines, 2015. Collection method: clinical testing. Allele origin: germline.

GeneDx
Classification: Benign. Last evaluated: 2018-12-04. Review status: criteria provided, single submitter. Criteria: GeneDx Variant Classification Process June 2021. Collection method: clinical testing. Allele origin: germline. Affected: yes.

Clinical Genetics DNA and cytogenetics Diagnostics Lab, Erasmus MC, Erasmus Medical Center
Classification: Likely benign. Review status: no assertion criteria provided. Collection method: clinical testing. Allele origin: germline. Affected: yes. Study: VKGL Data-share Consensus. Not counted in ClinVar's aggregate classification.

Clinical Genetics, Academic Medical Center
Classification: Benign. Review status: no assertion criteria provided. Collection method: clinical testing. Allele origin: germline. Affected: yes. Study: VKGL Data-share Consensus. Not counted in ClinVar's aggregate classification.

Genome Diagnostics Laboratory, University Medical Center Utrecht
Classification: Likely benign. Review status: no assertion criteria provided. Collection method: clinical testing. Allele origin: germline. Affected: yes. Study: VKGL Data-share Consensus. Not counted in ClinVar's aggregate classification.

Laboratory of Diagnostic Genome Analysis, Leiden University Medical Center (LUMC)
Classification: Benign. Review status: no assertion criteria provided. Collection method: clinical testing. Allele origin: germline. Affected: yes. Study: VKGL Data-share Consensus. Not counted in ClinVar's aggregate classification.

NM_004958.4(MTOR):c.1830C>T (p.Phe610=)

Gene: MTOR (mechanistic target of rapamycin kinase; minus strand). Cytogenetic location: 1p36.22.
Variant type: single nucleotide variant.
Coding change: c.1830C>T on transcript NM_004958.4 (MANE Select); coding-DNA position 1830, C replaced by T.
Protein change: p.Phe610=; no amino-acid change (phenylalanine 610 retained).
Molecular consequence: synonymous variant.
Genome position (GRCh38, 1-based): chr1:11,238,574, G>A on the plus strand (C>T on the coding strand, the complement: MTOR is on the minus strand). VCF-style: chr1-11238574-G-A. GRCh37 (hg19) VCF-style: chr1-11298631-G-A.
Identifiers: ClinVar variation 695657 (VCV000695657.50), dbSNP rs139687094, ClinGen allele CA590627.